The following is an entry in ClinVar:

NM_000212.3(ITGB3):c.2217del (p.Ile740fs)

Genes: EFCAB13-DT (EFCAB13 divergent transcript; minus strand), ITGB3 (integrin subunit beta 3; plus strand). Cytogenetic location: 17q21.32.
Variant type: Deletion.
Coding change: c.2217del on transcript NM_000212.3 (MANE Select); coding-DNA position 2217, one base deleted (C; older notation c.2217delC).
Protein change: p.Ile740fs; shifts the reading frame from isoleucine 740.
Molecular consequence: frameshift variant.
Genome position (GRCh38, 1-based): chr17:47,307,553, C deleted. VCF-style (leftmost placement, unchanged base first): chr17-47307552-TC-T. GRCh37 (hg19) VCF-style: chr17-45384918-TC-T.
Other names: NM_000212.3:c.2217del; short protein forms I740fs.
Identifiers: ClinVar variation 1691464 (VCV001691464.3), dbSNP rs2143150614, ClinGen allele CA915940690.

ClinVar aggregate classification (germline): Likely pathogenic (3 of 4 stars; one submission).

Conditions:
Glanzmann thrombasthenia. Also called: PLATELET GLYCOPROTEIN IIb-IIIa DEFICIENCY; Glanzmann's thrombasthenia; BLEEDING DISORDER, PLATELET-TYPE, 2; THROMBASTHENIA OF GLANZMANN AND NAEGELI; Thrombasthenia. Identifiers: Orphanet 849, MedGen C0040015, MONDO:0100326.

Submission:

ClinGen Platelet Disorders Variant Curation Expert Panel, ClinGen
Classification: Likely pathogenic for Glanzmann thrombasthenia. Last evaluated: 2025-03-06. Review status: reviewed by expert panel. Criteria: ClinGen Platelet ACMG Specifications v2-1. Collection method: curation. Allele origin: germline. Inheritance: Autosomal recessive inheritance.
Comment: The c.2217del (p.Ile740SerfsTer89) variant in ITGB3 is a frameshift variant that is predicted to cause a stop loss leading to elongation of the protein by 39 amino acids until a new stop codon is reached. The frameshift is expected to disrupt a functionally important region (affecting the cytoplasmic domain of ITGB3 spanning amino acids 742-788) in a gene where loss-of-function is an established disease mechanism (PVS1_Strong). This variant has been detected in at least one proband with Glanzmann thrombasthenia. However, it is unclear if the reported proband (GT11, PMID: 19691478) was homozygous for this variant or if a second ITGA2B variant was identified. At least one patient (Patient GT11 in PMID: 19691478) with this variant displayed mucocutaneous bleeding and impaired aggregation with all agonists except ristocetin, which is highly specific for Glanzmann thrombasthenia (PP4_Moderate). This variant is absent from gnomAD v4.1 (PM2_Supporting). In summary, this variant meets the criteria to be classified as likely pathogenic for autosomal recessive Glanzmann Thrombasthenia based on the ACMG/AMP criteria applied, as specified by the ClinGen PD VCEP: PVS1_Strong, PM2_Supporting, PP4_Moderate. (VCEP specifications version 2)